The following is an entry in ClinVar:

ClinVar aggregate classification (germline): Pathogenic (1 of 4 stars; one submission).

Conditions:
Hereditary hyperinsulinism.

Submission:

Natera, Inc.
Classification: Pathogenic for Hereditary hyperinsulinism. Last evaluated: 2024-09-17. Review status: criteria provided, single submitter. Criteria: Natera Variant Classification Schema (03/2026). Collection method: clinical testing. Allele origin: germline.
Comment: The c.12del variant in ABCC8 is a frameshift variant predicted to shift the reading frame beginning at codon 5 and leads to a stop codon 73 codons downstream. This variant is expected to result in nonsense mediated decay, truncation, or a dysfunctional protein product. This variant is rare in the general population with a frequency below the threshold expected for the associated phenotype(s). This variant has been observed in affected individual(s) with monoallelic occurrence (heterozygous/hemizygous) (PMID: 30352420, 31208162, 34671977). Given the available evidence, this variant is classified as Pathogenic.

Literature cited by the submitters: PubMed 30352420; PubMed 31208162; PubMed 34671977.

NM_000352.6(ABCC8):c.12del (p.Phe5fs)

Gene: ABCC8 (ATP binding cassette subfamily C member 8; minus strand). Cytogenetic location: 11p15.1.
Variant type: Deletion.
Coding change: c.12del on transcript NM_000352.6 (MANE Select); coding-DNA position 12, one base deleted (C; older notation c.12delC).
Protein change: p.Phe5fs; shifts the reading frame from phenylalanine 5.
Molecular consequence: frameshift variant. On other transcripts: non-coding transcript variant (1).
Genome position (GRCh38, 1-based): chr11:17,476,765, G deleted on the plus strand (C on the coding strand, the reverse complement: ABCC8 is on the minus strand); the first of 2 consecutive G bases (chr11:17,476,765-17,476,766); deleting either gives the same sequence. VCF-style (leftmost placement, unchanged base first): chr11-17476764-AG-A. GRCh37 (hg19) VCF-style: chr11-17498311-AG-A.
Other names: c.12del, p.Phe5fs (NM_001287174.3, NM_001351295.2, NM_001351296.2 and 1 more transcripts); short protein forms F5fs.
Identifiers: ClinVar variation 4818233 (VCV004818233.1).